The following is an entry in ClinVar:

ClinVar aggregate classification (germline): Likely benign (1 of 4 stars; one submission).

Allele frequency attached by ClinVar (database versions not stated): 1000 Genomes Project 30x 0.00468; 1000 Genomes Project 0.00499; TOPMed 0.01024; gnomAD 0.01236.
gnomAD v4.1: 5,807 of 442,820 alleles (1.3%); highest among the groups gnomAD compares: Non-Finnish European, 1.7%; 55 homozygotes.

Submission:

GeneDx
Classification: Likely benign. Last evaluated: 2018-06-14. Review status: criteria provided, single submitter. Criteria: GeneDx Variant Classification (06012015). Collection method: clinical testing. Allele origin: germline. Affected: yes.
Comment: This variant is considered likely benign or benign based on one or more of the following criteria: it is a conservative change, it occurs at a poorly conserved position in the protein, it is predicted to be benign by multiple in silico algorithms, and/or has population frequency not consistent with disease.

NM_006493.4(CLN5):c.565+262C>A

Gene: CLN5 (CLN5 intracellular trafficking protein; plus strand). Cytogenetic location: 13q22.3.
Variant type: single nucleotide variant.
Coding change: c.565+262C>A on transcript NM_006493.4 (MANE Select); 262 bases into the intron after coding-DNA position 565, C replaced by A.
Molecular consequence: intron variant.
Genome position (GRCh38, 1-based): chr13:76,996,389, C>A. VCF-style: chr13-76996389-C-A. GRCh37 (hg19) VCF-style: chr13-77570524-C-A.
Other names: c.565+262C>A (NM_001366624.2).
Identifiers: ClinVar variation 669823 (VCV000669823.1), dbSNP rs144108987, ClinGen allele CA252176638.
Genomic context (GRCh38, chr13:76,996,389, plus strand): 5'-GGAACTGGTTATGTTAAGTTACATGAATAAGTTCTTTAGTGGTGATTTCTGAGATTTTTG[C>A]GCACCCATCACCCGAGCAGTGTACACTGTACCCAATGTATAGTCTTTTATCCCTCACCCC-3'